The following is an entry in ClinVar:

NM_007294.4(BRCA1):c.2065_2075del (p.Thr688_Ser689insTer)

Gene: BRCA1 (BRCA1 DNA repair associated; minus strand). Cytogenetic location: 17q21.31.
Variant type: Deletion.
Coding change: c.2065_2075del on transcript NM_007294.4 (MANE Select); coding-DNA positions 2065 to 2075, 11 bases deleted (AGTAAAAGACA).
Protein change: p.Thr688_Ser689insTer.
Molecular consequence: nonsense. On other transcripts: intron variant (137).
Genome position (GRCh38, 1-based): chr17:43,093,456-43,093,466, TGTCTTTTACT deleted on the plus strand (AGTAAAAGACA on the coding strand, the reverse complement: BRCA1 is on the minus strand); deleting any 11 consecutive bases within chr17:43,093,456-43,093,471 gives the same sequence; the c. name uses the placement nearest the transcript's 3' end. VCF-style (leftmost placement, unchanged base first): chr17-43093455-ATGTCTTTTACT-A. GRCh37 (hg19) VCF-style: chr17-41245472-ATGTCTTTTACT-A.
Other names: c.2062_2072del, p.Thr687_Ser688insTer (NM_001407630.1, NM_001407631.1, NM_001407632.1 and 22 more transcripts); c.2065_2075del, p.Thr688_Ser689insTer (NM_001407639.1, NM_001407640.1, NM_001407641.1 and 30 more transcripts); c.2056_2066del, p.Thr685_Ser686insTer (NM_001407646.1, NM_001407647.1); c.1984_1994del, p.Thr661_Ser662insTer (NM_001407662.1, NM_001407659.1, NM_001407660.1 and 1 more transcripts); c.1987_1997del, p.Thr662_Ser663insTer (NM_001407663.1, NM_001407655.1, NM_001407656.1 and 4 more transcripts); c.1942_1952del, p.Thr647_Ser648insTer (NM_001407664.1, NM_001407665.1, NM_001407666.1 and 19 more transcripts); c.1939_1949del, p.Thr646_Ser647insTer (NM_001407672.1, NM_001407673.1, NM_001407670.1 and 11 more transcripts); c.1852_1862del, p.Thr617_Ser618insTer (NM_001407915.1, NM_001407916.1, NM_001407917.1 and 9 more transcripts); and 40 more.
Identifiers: ClinVar variation 2129025 (VCV002129025.4), dbSNP rs2552194079, ClinGen allele CA2580094092.
Genomic context (GRCh38, chr17:43,093,455, plus strand): 5'-ACACTTAGTAAAAGAACCAGGTGCATTTGTTAACTTCAGCTCTGGGAAAGTATCGCTGTC[ATGTCTTTTACT>A]TGTCTGTTCATTTGGCTTGTTACTCTTCTTGGCTCCAGTTGCAGGTTCTTTACCTTCCAT-3'

ClinVar aggregate classification (germline): Pathogenic (1 of 4 stars; one submission).

Conditions:
Hereditary breast ovarian cancer syndrome. Also called: Hereditary breast and ovarian cancer syndrome; BRCA1- and BRCA2-Associated Hereditary Breast and Ovarian Cancer; Hereditary breast and ovarian cancer syndrome (HBOC); Hereditary breast and/or ovarian cancer syndrome; Hereditary breast and ovarian cancer; Breast and ovarian cancer. Identifiers: Orphanet 145, MedGen C0677776, MeSH D061325, MONDO:0003582. Disease mechanism: loss of function.

Submission:

Labcorp Genetics (formerly Invitae), Labcorp
Classification: Pathogenic for Hereditary breast ovarian cancer syndrome. Last evaluated: 2022-04-21. Review status: criteria provided, single submitter. Criteria: Invitae Variant Classification Sherloc (09022015). Collection method: clinical testing. Allele origin: germline.
Comment: For these reasons, this variant has been classified as Pathogenic. This variant has not been reported in the literature in individuals affected with BRCA1-related conditions. This variant is not present in population databases (gnomAD no frequency). This sequence change creates a premature translational stop signal (p.Ser689*) in the BRCA1 gene. It is expected to result in an absent or disrupted protein product. Loss-of-function variants in BRCA1 are known to be pathogenic (PMID: 20104584).

Literature cited by the submitters: PubMed 20104584.